The following is an entry in ClinVar:

ClinVar aggregate classification (germline): Pathogenic. Review status: reviewed by expert panel (3 of 4 stars). 10 submissions from 10 submitters: Pathogenic (1). 9 of the submissions do not count toward it. Last evaluated 2026-08-18.

Conditions:
GFAP-related disorder. Also called: GFAP-related disorders; GFAP-related condition.
Inborn genetic diseases. Identifiers: MedGen C0950123, MeSH D030342.
Alexander disease (ALXDRD). Also called: Alexander's disease. Identifiers: Orphanet 58, MedGen C0270726, MONDO:0008752, OMIM 203450.

Allele frequency attached by ClinVar (database versions not stated): gnomAD 0.00001.

Submissions (10):

ClinGen Leukodystrophy and Leukoencephalopathy Variant Curation Expert Panel, ClinGen
Classification: Pathogenic for Alexander disease. Last evaluated: 2026-08-18. Review status: reviewed by expert panel. Criteria: ClinGen Leuko ACMG Specifications GFAP V1.0. Collection method: curation. Allele origin: germline. Inheritance: Autosomal dominant inheritance.
Comment: The NM_002055.5(GFAP):c.235C>T, variant in GFAP is a missense variant predicted to cause a substitution of arginine by cysteine at amino acid 79 (p.Arg79Cys). This variant has been reported in three probands who met definite diagnostic criteria for Alexander Disease (PS4_Strong; PMID:15732097) and identified as a de novo occurrence with confirmed parental relationships in two individuals who met definite diagnostic criteria for Alexander Disease per ClinGen Leukodystrophy and Leukoencephalopathy Expert Panel Specifications to the ACMG/AMP Variant Interpretation Guidelines for GFAP Version 1.0.0 (PS2_Very Strong; PMID: 23364391). An aggregation assay in a zebrafish model showed a significantly higher number of GFAP aggregates than wild-type GFAP indicating that this variant impacts protein function (PS3_Very Strong; PMID: 28882119). This variant resides within a region, amino acids 59 – 88, of GFAP that is defined as a region with significant missense constraint by the ClinGen Leukodystrophy and Leukoencephalopathy Expert Panel Specifications to the ACMG/AMP Variant Interpretation Guidelines for GFAP Version 1.0.0 (PM1). In summary, this variant meets the criteria to be classified as a pathogenic for Alexander Disease based on the ACMG/AMP criteria applied, as specified by the ClinGen Leukodystrophy and Leukoencephalopathy VCEP: PS2_Very Strong, PS3_Very Strong, PS4_Strong, PM1 (ClinGen Leukodystrophy and Leukoencephalopathy VCEP Specifications Version 1.0.0).

Ambry Genetics
Classification: Pathogenic for Inborn genetic diseases. Last evaluated: 2026-08-17. Review status: criteria provided, single submitter. Criteria: Ambry Variant Classification Scheme 2023. Collection method: clinical testing. Allele origin: germline. Not counted in ClinVar's aggregate classification.
Comment: The c.235C>T (p.R79C) alteration is located in exon 1 (coding exon 1) of the GFAP gene. This alteration results from a C to T substitution at nucleotide position 235, causing the arginine (R) at amino acid position 79 to be replaced by a cysteine (C). This variant was not reported in population-based cohorts in the Genome Aggregation Database (gnomAD). This variant was reported in individual(s) with features consistent with Alexander disease; in at least one individual, it was determined to be de novo (Zhang, 2013; Jany, 2015; Lin, 2020). This amino acid position is highly conserved in available vertebrate species. In an assay testing GFAP function, this variant showed a functionally abnormal result (Lee, 2017). This alteration is predicted to be deleterious by in silico analysis. Based on the available evidence, this alteration is classified as pathogenic.

3billion
Classification: Pathogenic for Alexander disease. Last evaluated: 2025-11-11. Review status: criteria provided, single submitter. Criteria: ACMG Guidelines, 2015. Collection method: clinical testing. Allele origin: germline. Affected: yes. Not counted in ClinVar's aggregate classification.
Comment: The variant is observed at an extremely low frequency in the gnomAD v4.1.0 dataset (total allele frequency: <0.001%). Predicted Consequence/Location: The variant is located in a mutational hot spot and/or well-established functional domain in which established pathogenic variants have been reported. Missense variant. Missense changes are a common disease-causing mechanism. In silico tool predictions suggest damaging effect of the variant on gene or gene product [REVEL: 0.91 (>=0.6, sensitivity 0.68 and specificity 0.92); 3Cnet: 1.00 (> 0.75, sensitivity 0.96 and precision 0.92)]. The same nucleotide change resulting in the same amino acid change has been previously reported as pathogenic/likely pathogenic with strong evidence (ClinVar ID: VCV000016171 /PMID: 11138011 /3billion dataset). Different missense changes at the same codon (p.Arg79Gly, p.Arg79His, p.Arg79Leu, p.Arg79Pro, p.Arg79Ser) have been reported as pathogenic/likely pathogenic with strong evidence (ClinVar ID: VCV000016170, VCV000066470 /PMID: 11138011, 12034785, 12581808, 17894839, 21917775). Therefore, this variant is classified as Pathogenic according to the recommendation of ACMG/AMP guideline.

Labcorp Genetics (formerly Invitae), Labcorp
Classification: Pathogenic. Last evaluated: 2025-07-25. Review status: criteria provided, single submitter. Criteria: Invitae Variant Classification Sherloc (09022015). Collection method: clinical testing. Allele origin: germline. Not counted in ClinVar's aggregate classification.
Comment: This sequence change replaces arginine, which is basic and polar, with cysteine, which is neutral and slightly polar, at codon 79 of the GFAP protein (p.Arg79Cys). This variant is not present in population databases (gnomAD no frequency). This missense change has been observed in individual(s) with Alexander disease (PMID: 11138011, 18584981, 23254569). In at least one individual the variant was observed to be de novo. ClinVar contains an entry for this variant (Variation ID: 16171). Invitae Evidence Modeling of protein sequence and biophysical properties (such as structural, functional, and spatial information, amino acid conservation, physicochemical variation, residue mobility, and thermodynamic stability) indicates that this missense variant is expected to disrupt GFAP protein function with a positive predictive value of 95%. Experimental studies have shown that this missense change affects GFAP function (PMID: 28882119). This variant disrupts the p.Arg79 amino acid residue in GFAP. Other variant(s) that disrupt this residue have been observed in individuals with GFAP-related conditions (PMID: 11138011), which suggests that this may be a clinically significant amino acid residue. For these reasons, this variant has been classified as Pathogenic.

Blueprint Genetics
Classification: Pathogenic for GFAP-related disorders. Last evaluated: 2024-09-16. Review status: criteria provided, single submitter. Criteria: ACMG Guidelines, 2015. Collection method: clinical testing. Allele origin: germline. Affected: yes. Observed: 2 variant alleles. Not counted in ClinVar's aggregate classification.

Illumina Laboratory Services, Illumina
Classification: Pathogenic for Alexander disease. Last evaluated: 2022-07-25. Review status: criteria provided, single submitter. Criteria: ICSLVariantClassificationCriteria RUGD 01 April 2020. Collection method: clinical testing. Allele origin: unknown. Not counted in ClinVar's aggregate classification.
Comment: The GFAP c.235C>T p.(Arg79Cys) missense variant has been reported in a heterozygous state in at least seven individuals with Alexander disease, including five in whom it occurred in a de novo state (PMID: 11138011; PMID: 15696488; PMID: 18584981; PMID: 23254569; PMID: 31484723; PMID: 33176815). The c.235C>T variant is reported in the Genome Aggregation Database in one allele at a frequency of 0.000015 in the European (non-Finnish) population (version 3.1.2). Compared to wild-type GFAP, the p.(Arg79Cys) variant has been shown to significantly increase GFAP aggregation when expressed in zebrafish (PMID: 28882119). Mass spectroscopy studies in a patient with the variant suggested that levels of variant GFAP were lower than those of wild-type, suggesting an intrinsic toxicity of the variant form (PMID: 31484723). When expressed in human pluripotent stem cells induced to differentiate into astrocytes, the variant also impaired mitochondrial transfer from astrocytes and reduced astrocytic CD38 expression (PMID: 31327963). Based on the available evidence, the c.235C>T (p.Arg79Cys) variant is classified as pathogenic for Alexander disease.

GeneDx
Classification: Pathogenic. Last evaluated: 2021-11-19. Review status: criteria provided, single submitter. Criteria: GeneDx Variant Classification Process June 2021. Collection method: clinical testing. Allele origin: germline. Affected: yes. Not counted in ClinVar's aggregate classification.
Comment: Published functional studies demonstrate that p.(R79C) significantly increases GFAP aggregation in zebra fish in comparison to wild-type (Lee et al., 2017) and impairs mitochondrial transfer from astrocytes to neighboring neurons (Gao et al., 2019); In silico analysis, which includes protein predictors and evolutionary conservation, supports a deleterious effect; Not observed in large population cohorts (Lek et al., 2016); This variant is associated with the following publications: (PMID: 12509855, 23254569, 15696488, 18584981, 12034785, 12175861, 21533827, 11567214, 12581808, 15732097, 19128991, 18463287, 31484723, 33176815, 31327963, 11138011, 33084218, 34146839, 34692893, 17894839, 28882119)

OMIM
Classification: Pathogenic for ALEXANDER DISEASE. Last evaluated: 2007-11-01. Review status: no assertion criteria provided. Collection method: literature only. Allele origin: germline. Not counted in ClinVar's aggregate classification.

Epithelial Biology;  Institute of Medical Biology, Singapore
No classification provided. Review status: no classification provided. Collection method: not provided. Allele origin: not provided. Not counted in ClinVar's aggregate classification.

GeneReviews
No classification provided. Condition: Alexander disease. Review status: no classification provided. Collection method: literature only. Allele origin: germline. Not counted in ClinVar's aggregate classification.

Literature cited by the submitters: PubMed 23364391 (cited by Ambry Genetics); PubMed 26478912 (cited by Ambry Genetics); PubMed 28882119 (cited by Ambry Genetics and Labcorp Genetics (formerly Invitae), Labcorp); PubMed 33176815 (cited by Ambry Genetics); PubMed 11138011 (cited by 4 submitters); PubMed 18584981 (cited by Labcorp Genetics (formerly Invitae), Labcorp and GeneReviews); PubMed 23254569 (cited by Labcorp Genetics (formerly Invitae), Labcorp and GeneReviews); PubMed 17894839 (cited by OMIM and GeneReviews); NCBI Bookshelf NBK1172 (cited by GeneReviews); PubMed 12581808 (cited by GeneReviews); PubMed 19128991 (cited by GeneReviews); PubMed 15696488 (cited by GeneReviews); PubMed 12034785 (cited by GeneReviews); PubMed 15732097 (cited by GeneReviews); PubMed 12509855 (cited by GeneReviews).

NM_002055.5(GFAP):c.235C>T (p.Arg79Cys)

Gene: GFAP (glial fibrillary acidic protein; minus strand). Cytogenetic location: 17q21.31.
Variant type: single nucleotide variant.
Coding change: c.235C>T on transcript NM_002055.5 (MANE Select); coding-DNA position 235, C replaced by T.
Protein change: p.Arg79Cys; replaces arginine 79 with cysteine.
Molecular consequence: missense variant.
Genome position (GRCh38, 1-based): chr17:44,915,252, G>A on the plus strand (C>T on the coding strand, the complement: GFAP is on the minus strand). VCF-style: chr17-44915252-G-A. GRCh37 (hg19) VCF-style: chr17-42992620-G-A.
Other names: NM_002055.5(GFAP):c.235C>T; c.235C>T, p.Arg79Cys (NM_001131019.3, NM_001242376.3, NM_001363846.2); short protein forms R79C.
Identifiers: ClinVar variation 16171 (VCV000016171.16), dbSNP rs59793293, ClinGen allele CA217166.